The following is an entry in ClinVar:

NM_001126121.2(SLC25A19):c.550G>A (p.Ala184Thr)

Gene: SLC25A19 (solute carrier family 25 member 19; minus strand). Cytogenetic location: 17q25.1.
Variant type: single nucleotide variant.
Coding change: c.550G>A on transcript NM_001126121.2 (MANE Select); coding-DNA position 550, G replaced by A.
Protein change: p.Ala184Thr; replaces alanine 184 with threonine.
Molecular consequence: missense variant.
Genome position (GRCh38, 1-based): chr17:75,278,245, C>T on the plus strand (G>A on the coding strand, the complement: SLC25A19 is on the minus strand). VCF-style: chr17-75278245-C-T. GRCh37 (hg19) VCF-style: chr17-73274326-C-T.
Other names: c.550G>A, p.Ala184Thr (NM_001126122.2, NM_021734.5); short protein forms A184T.
Identifiers: ClinVar variation 2184578 (VCV002184578.4), dbSNP rs769187207, ClinGen allele CA401003948.
Genomic context (GRCh38, chr17:75,278,245, plus strand): 5'-TGTACAGGTGCTTCAAGGAGCTGTAGCAAGAGAACTGCAGCCCGGCGTAGGGGAAGATGG[C>T]GATCAAGGTGGGAGCCAAGCCTTTGTAGAAAACCTGGGGGCCTTCGCTCCTATACATGGT-3'
Protein context (NP_001119593.1, residues 174-194): FYKGLAPTLI[Ala184Thr]IFPYAGLQFS

ClinVar aggregate classification (germline): Uncertain significance (1 of 4 stars; one submission).

gnomAD v4.1: 4 of 1,613,940 alleles (0.00025%); highest among the groups gnomAD compares: East Asian, 0.0045%; no homozygotes.

Submission:

Labcorp Genetics (formerly Invitae), Labcorp
Classification: Uncertain significance. Last evaluated: 2022-07-11. Review status: criteria provided, single submitter. Criteria: Invitae Variant Classification Sherloc (09022015). Collection method: clinical testing. Allele origin: germline.
Comment: This variant has not been reported in the literature in individuals affected with SLC25A19-related conditions. This variant is not present in population databases (gnomAD no frequency). This sequence change replaces alanine, which is neutral and non-polar, with threonine, which is neutral and polar, at codon 184 of the SLC25A19 protein (p.Ala184Thr). In summary, the available evidence is currently insufficient to determine the role of this variant in disease. Therefore, it has been classified as a Variant of Uncertain Significance. Algorithms developed to predict the effect of missense changes on protein structure and function are either unavailable or do not agree on the potential impact of this missense change (SIFT: "Tolerated"; PolyPhen-2: "Possibly Damaging"; Align-GVGD: "Class C0").